The following is an entry in ClinVar:

ClinVar aggregate classification (germline): Likely pathogenic (1 of 4 stars; one submission).

Conditions:
Alstrom syndrome (ALMS). Identifiers: Orphanet 64, MedGen C0268425, MONDO:0008763, OMIM 203800.

Submission:

Labcorp Genetics (formerly Invitae), Labcorp
Classification: Likely pathogenic for Alstrom syndrome. Last evaluated: 2024-01-13. Review status: criteria provided, single submitter. Criteria: Invitae Variant Classification Sherloc (09022015). Collection method: clinical testing. Allele origin: unknown.
Comment: This variant results in a copy number gain of the genomic region encompassing exon(s) 10-12 of the ALMS1 gene. While the exact position of this variant cannot be determined from the data, sub-genic copy number gains are generally in tandem (PMID: 25640679). This variant is predicted to be out-of-frame, and may result in an absent or disrupted protein product. Loss-of-function variants in ALMS1 are known to be pathogenic (PMID: 17594715). This variant has not been reported in the literature in individuals affected with ALMS1-related conditions. In summary, the currently available evidence indicates that the variant is pathogenic, but additional data are needed to prove that conclusively. Therefore, this variant has been classified as Likely Pathogenic.

Literature cited by the submitters: PubMed 25640679; PubMed 17594715.

NC_000002.11:g.(?_73716741)_(73762096_?)dup

Gene: ALMS1 (ALMS1 centrosome and basal body associated protein; plus strand). Cytogenetic location: 2p13.1.
Variant type: Duplication.
Identifiers: ClinVar variation 3247157 (VCV003247157.1).